The following is an entry in ClinVar:

ClinVar aggregate classification (germline): Pathogenic. Review status: criteria provided, single submitter (1 of 4 stars). 2 submissions from 2 submitters: Pathogenic (1). 1 of the submissions does not count toward it. Last evaluated 2019-11-29.

Conditions:
Achromatopsia 2 (ACHM2). Also called: COLORBLINDNESS, TOTAL; ROD MONOCHROMACY 2; ROD MONOCHROMATISM 2. Identifiers: Orphanet 49382, MedGen C1857618, MONDO:0009003, OMIM 216900.

Allele frequency attached by ClinVar (database versions not stated): gnomAD exomes below 0.00001.
gnomAD v4.1: 6 of 1,614,230 alleles (0.00037%); highest among the groups gnomAD compares: Non-Finnish European, 0.00051%; no homozygotes.

Submissions (2):

Labcorp Genetics (formerly Invitae), Labcorp
Classification: Pathogenic. Last evaluated: 2019-11-29. Review status: criteria provided, single submitter. Criteria: Invitae Variant Classification Sherloc (09022015). Collection method: clinical testing. Allele origin: germline.
Comment: This sequence change creates a premature translational stop signal (p.Glu114*) in the CNGA3 gene. It is expected to result in an absent or disrupted protein product. For these reasons, this variant has been classified as Pathogenic. Loss-of-function variants in CNGA3 are known to be pathogenic (PMID: 14757870, 24903488, 25637600). This variant has not been reported in the literature in individuals with CNGA3-related conditions. This variant is not present in population databases (ExAC no frequency).

Molecular Genetics Laboratory, Institute for Ophthalmic Research
Classification: Pathogenic for Achromatopsia 2. Last evaluated: 2021-04-15. Review status: no assertion criteria provided. Collection method: research. Allele origin: germline. Affected: yes. Not counted in ClinVar's aggregate classification.

Literature cited by the submitters: PubMed 14757870 (cited by Labcorp Genetics (formerly Invitae), Labcorp); PubMed 24903488 (cited by Labcorp Genetics (formerly Invitae), Labcorp); PubMed 25637600 (cited by Labcorp Genetics (formerly Invitae), Labcorp).

NM_001298.3(CNGA3):c.340G>T (p.Glu114Ter)

Gene: CNGA3 (cyclic nucleotide gated channel subunit alpha 3; plus strand). Cytogenetic location: 2q11.2.
Variant type: single nucleotide variant.
Coding change: c.340G>T on transcript NM_001298.3 (MANE Select); coding-DNA position 340, G replaced by T.
Protein change: p.Glu114Ter; replaces glutamic acid 114 with a stop codon.
Molecular consequence: nonsense.
Genome position (GRCh38, 1-based): chr2:98,380,299, G>T. VCF-style: chr2-98380299-G-T. GRCh37 (hg19) VCF-style: chr2-98996762-G-T.
Other names: c.340G>T, p.Glu114Ter (NM_001079878.2); short protein forms E114*.
Identifiers: ClinVar variation 860884 (VCV000860884.9), dbSNP rs1692509021, ClinGen allele CA347831146.